The following is an entry in ClinVar:

NM_006383.4(CIB2):c.477C>T (p.Asp159=)

Gene: CIB2 (calcium and integrin binding family member 2; minus strand). Cytogenetic location: 15q25.1.
Variant type: single nucleotide variant.
Coding change: c.477C>T on transcript NM_006383.4 (MANE Select); coding-DNA position 477, C replaced by T.
Protein change: p.Asp159=; no amino-acid change (aspartic acid 159 retained).
Molecular consequence: synonymous variant. On other transcripts: non-coding transcript variant (1).
Genome position (GRCh38, 1-based): chr15:78,105,804, G>A on the plus strand (C>T on the coding strand, the complement: CIB2 is on the minus strand). VCF-style: chr15-78105804-G-A. GRCh37 (hg19) VCF-style: chr15-78398146-G-A.
Other names: p.Asp159=; c.348C>T, p.Asp116= (NM_001271888.2); c.330C>T, p.Asp110= (NM_001271889.2); c.492C>T, p.Asp164= (NM_001301224.2).
Identifiers: ClinVar variation 226517 (VCV000226517.16), dbSNP rs10456, ClinGen allele CA7680163.

ClinVar aggregate classification (germline): Benign. Review status: criteria provided, multiple submitters, no conflicts (2 of 4 stars). 7 submissions from 7 submitters: Benign (7). Last evaluated 2026-06-28.

Allele frequency attached by ClinVar (database versions not stated): 1000 Genomes Project 30x 0.13132; gnomAD 0.18777 and 0.18556; ExAC 0.20295; gnomAD exomes 0.20403 and 0.23296; 1000 Genomes Project 0.12760; ESP Exome Variant Server 0.18786; TOPMed 0.17089.
gnomAD v4.1: 368,236 of 1,614,016 alleles (23%); highest among the groups gnomAD compares: Non-Finnish European, 25%; 44,678 homozygotes.

Submissions (7):

Women's Health and Genetics/Laboratory Corporation of America, LabCorp
Classification: Benign. Last evaluated: 2026-06-28. Review status: criteria provided, single submitter. Criteria: LabCorp Variant Classification Summary - May 2015. Collection method: clinical testing. Allele origin: germline.

Labcorp Genetics (formerly Invitae), Labcorp
Classification: Benign. Last evaluated: 2026-02-04. Review status: criteria provided, single submitter. Criteria: Invitae Variant Classification Sherloc (09022015). Collection method: clinical testing. Allele origin: germline.

Mayo Clinic Laboratories, Mayo Clinic
Classification: Benign. Last evaluated: 2020-12-04. Review status: criteria provided, single submitter. Criteria: ACMG Guidelines, 2015. Collection method: clinical testing. Allele origin: germline. Observed: 54 variant alleles.

GeneDx
Classification: Benign. Last evaluated: 2017-06-01. Review status: criteria provided, single submitter. Criteria: GeneDx Variant Classification (06012015). Collection method: clinical testing. Allele origin: germline. Affected: yes.
Comment: This variant is considered likely benign or benign based on one or more of the following criteria: it is a conservative change, it occurs at a poorly conserved position in the protein, it is predicted to be benign by multiple in silico algorithms, and/or has population frequency not consistent with disease.

Laboratory for Molecular Medicine, Mass General Brigham Personalized Medicine
Classification: Benign. Last evaluated: 2014-11-24. Review status: criteria provided, single submitter. Criteria: LMM Criteria. Collection method: clinical testing. Allele origin: germline. Observed: 374 variant alleles.
Comment: Asp159Asp in exon 5 of CIB2: This variant is not expected to have clinical signi ficance because it does not alter an amino acid residue and is not located withi n the splice consensus sequence. It has been identified in 24.4% (2095/8586) of European American chromosomes from a broad population by the NHLBI Exome Sequenc ing Project (dbSNP rs10456).

Breakthrough Genomics
Classification: Benign. Review status: criteria provided, single submitter. Criteria: ACMG Guidelines, 2015. Collection method: not provided. Allele origin: germline. Inheritance: Autosomal recessive inheritance. Affected: yes.

PreventionGenetics, part of Exact Sciences
Classification: Benign. Review status: criteria provided, single submitter. Criteria: ACMG Guidelines, 2015. Collection method: clinical testing. Allele origin: germline.